The following is an entry in ClinVar:

ClinVar aggregate classification (germline): Uncertain significance. Review status: criteria provided, multiple submitters, no conflicts (2 of 4 stars). 2 submissions from 2 submitters: Uncertain significance (2). Last evaluated 2025-05-30.

Conditions:
Mucolipidosis type II. Also called: Mucolipidosis 2; ML 2; Inclusion cell disease; Leroy Disease; N-acetylglucosamine 1phosphotransferase deficiency; ML disorder type 2. Identifiers: Orphanet 576, MedGen C2673377, MONDO:0009650, OMIM 252500.
Pseudo-Hurler polydystrophy. Also called: ML IIIA; Mucolipidosis III Alpha/Beta; MUCOLIPIDOSIS IIIA; ML III; ML III ALPHA/BETA; Type III Mucolipidosis. Identifiers: Orphanet 423461, Orphanet 577, MedGen C0033788, MONDO:0018931, OMIM 252600.
GNPTAB-mucolipidosis. Also called: UDP-N-acetylglucosamine-1-phosphotransferase subunit alpha/beta deficiency. Identifiers: MedGen CN322573, MONDO:0100122.

Allele frequency attached by ClinVar (database versions not stated): 1000 Genomes Project 0.00020; gnomAD 0.00001; gnomAD exomes 0.00002; 1000 Genomes Project 30x 0.00016; ExAC 0.00007.
gnomAD v4.1: 31 of 1,519,150 alleles (0.002%); highest among the groups gnomAD compares: South Asian, 0.029%; no homozygotes.

Submissions (2):

Victorian Clinical Genetics Services, Murdoch Childrens Research Institute
Classification: Uncertain significance for GNPTAB-mucolipidosis. Last evaluated: 2025-05-30. Review status: criteria provided, single submitter. Criteria: ACMG Guidelines, 2015. Collection method: clinical testing. Allele origin: germline. Affected: yes.
Comment: This variant is classified as VUS-3A. Evidence in support of pathogenic classification: Variant is present in gnomAD <0.01 for a recessive condition (v4: 31 heterozygote(s), 0 homozygote(s)); Missense variant predicted to be damaging by in silico tool(s) or highly conserved with a major amino acid change. Additional information: Variant is predicted to result in a missense amino acid change from proline to arginine; This variant is homozygous; This gene is associated with autosomal recessive disease; Alternative amino acid change(s) at the same position are present in gnomAD (Highest allele count: v4: 13 heterozygote(s), 0 homozygote(s)); Previous evidence of pathogenicity for this variant is inconclusive. This variant has been classified as a VUS by a clinical laboratory in ClinVar; No published segregation evidence has been identified for this variant; No published functional evidence has been identified for this variant; No comparable missense variants have previous evidence for pathogenicity; Variant is located in the annotated Stealth_CR4 domain (DECIPHER); Loss of function is a known mechanism of disease in this gene and is associated with GNPTAB-mucolipidosis (MONDO:0100122).

Labcorp Genetics (formerly Invitae), Labcorp
Classification: Uncertain significance for Pseudo-Hurler polydystrophy; Mucolipidosis type II. Last evaluated: 2022-06-01. Review status: criteria provided, single submitter. Criteria: Invitae Variant Classification Sherloc (09022015). Collection method: clinical testing. Allele origin: germline.
Comment: This sequence change replaces proline, which is neutral and non-polar, with arginine, which is basic and polar, at codon 1144 of the GNPTAB protein (p.Pro1144Arg). This variant is present in population databases (rs577796531, gnomAD 0.05%). This variant has not been reported in the literature in individuals affected with GNPTAB-related conditions. Algorithms developed to predict the effect of missense changes on protein structure and function (SIFT, PolyPhen-2, Align-GVGD) all suggest that this variant is likely to be disruptive. Algorithms developed to predict the effect of sequence changes on RNA splicing suggest that this variant may disrupt the consensus splice site. In summary, the available evidence is currently insufficient to determine the role of this variant in disease. Therefore, it has been classified as a Variant of Uncertain Significance.

NM_024312.5(GNPTAB):c.3431C>G (p.Pro1144Arg)

Gene: GNPTAB (N-acetylglucosamine-1-phosphate transferase subunits alpha and beta; minus strand). Cytogenetic location: 12q23.2.
Variant type: single nucleotide variant.
Coding change: c.3431C>G on transcript NM_024312.5 (MANE Select); coding-DNA position 3431, C replaced by G.
Protein change: p.Pro1144Arg; replaces proline 1144 with arginine.
Molecular consequence: missense variant.
Genome position (GRCh38, 1-based): chr12:101,757,215, G>C on the plus strand (C>G on the coding strand, the complement: GNPTAB is on the minus strand). VCF-style: chr12-101757215-G-C. GRCh37 (hg19) VCF-style: chr12-102150993-G-C.
Other names: short protein forms P1144R.
Identifiers: ClinVar variation 2175778 (VCV002175778.3), dbSNP rs577796531, ClinGen allele CA6746160.